The following is an entry in ClinVar:

NM_001122630.2(CDKN1C):c.872C>T (p.Pro291Leu)

Gene: CDKN1C (cyclin dependent kinase inhibitor 1C; minus strand). Cytogenetic location: 11p15.4.
Variant type: single nucleotide variant.
Coding change: c.872C>T on transcript NM_001122630.2 (MANE Select); coding-DNA position 872, C replaced by T.
Protein change: p.Pro291Leu; replaces proline 291 with leucine.
Molecular consequence: missense variant. On other transcripts: synonymous variant (1).
Genome position (GRCh38, 1-based): chr11:2,884,050, G>A on the plus strand (C>T on the coding strand, the complement: CDKN1C is on the minus strand). VCF-style: chr11-2884050-G-A. GRCh37 (hg19) VCF-style: chr11-2905280-G-A.
Other names: c.905C>T, p.Pro302Leu (NM_000076.2, NM_001362474.2); c.872C>T, p.Pro291Leu (NM_001122631.2); c.340C>T, p.Leu114= (NM_001362475.2); short protein forms P291L, P302L.
Identifiers: ClinVar variation 1980764 (VCV001980764.4), dbSNP rs2494379655, ClinGen allele CA379144800.

ClinVar aggregate classification (germline): Uncertain significance (1 of 4 stars; one submission).

Conditions:
Beckwith-Wiedemann syndrome (BWS). Also called: Exomphalos macroglossia gigantism syndrome; EMG SYNDROME. Identifiers: Orphanet 116, MedGen C0004903, MONDO:0007534, OMIM 130650.

Submission:

Labcorp Genetics (formerly Invitae), Labcorp
Classification: Uncertain significance for Beckwith-Wiedemann syndrome. Last evaluated: 2022-10-23. Review status: criteria provided, single submitter. Criteria: Invitae Variant Classification Sherloc (09022015). Collection method: clinical testing. Allele origin: germline.
Comment: In summary, the available evidence is currently insufficient to determine the role of this variant in disease. Therefore, it has been classified as a Variant of Uncertain Significance. Advanced modeling of protein sequence and biophysical properties (such as structural, functional, and spatial information, amino acid conservation, physicochemical variation, residue mobility, and thermodynamic stability) performed at Invitae indicates that this missense variant is not expected to disrupt CDKN1C protein function. This sequence change replaces proline, which is neutral and non-polar, with leucine, which is neutral and non-polar, at codon 302 of the CDKN1C protein (p.Pro302Leu). This variant is not present in population databases (gnomAD no frequency). This variant has not been reported in the literature in individuals affected with CDKN1C-related conditions.